The following is an entry in ClinVar:

ClinVar aggregate classification (germline): Uncertain significance. Review status: criteria provided, multiple submitters, no conflicts (2 of 4 stars). 3 submissions from 3 submitters: Uncertain significance (3). Last evaluated 2025-04-28.

Conditions:
Inborn genetic diseases. Identifiers: MedGen C0950123, MeSH D030342.
Ellis-van Creveld syndrome (EVC). Also called: MESOECTODERMAL DYSPLASIA; Chondroectodermal dysplasia. Identifiers: Orphanet 289, MedGen C0013903, MONDO:0009162, OMIM 225500.
Curry-Hall syndrome (WAD). Also called: WEYERS ACRODENTAL DYSOSTOSIS. Identifiers: Orphanet 952, MedGen C0457013, MONDO:0008673, OMIM 193530.

gnomAD v4.1: 26 of 1,475,700 alleles (0.0018%); highest among the groups gnomAD compares: Non-Finnish European, 0.0024%; no homozygotes.

Submissions (3):

Ambry Genetics
Classification: Uncertain significance for Inborn genetic diseases. Last evaluated: 2025-04-28. Review status: criteria provided, single submitter. Criteria: Ambry Variant Classification Scheme 2023. Collection method: clinical testing. Allele origin: germline.

Labcorp Genetics (formerly Invitae), Labcorp
Classification: Uncertain significance for Curry-Hall syndrome; Ellis-van Creveld syndrome. Last evaluated: 2024-10-24. Review status: criteria provided, single submitter. Criteria: Invitae Variant Classification Sherloc (09022015). Collection method: clinical testing. Allele origin: germline.
Comment: This sequence change replaces lysine, which is basic and polar, with asparagine, which is neutral and polar, at codon 860 of the EVC protein (p.Lys860Asn). This variant is present in population databases (no rsID available, gnomAD 0.005%). This variant has not been reported in the literature in individuals affected with EVC-related conditions. Invitae Evidence Modeling of protein sequence and biophysical properties (such as structural, functional, and spatial information, amino acid conservation, physicochemical variation, residue mobility, and thermodynamic stability) indicates that this missense variant is not expected to disrupt EVC protein function with a negative predictive value of 95%. In summary, the available evidence is currently insufficient to determine the role of this variant in disease. Therefore, it has been classified as a Variant of Uncertain Significance.

CeGaT Center for Human Genetics Tuebingen
Classification: Uncertain significance. Last evaluated: 2024-08-01. Review status: criteria provided, single submitter. Criteria: CeGaT Center For Human Genetics Tuebingen Variant Classification Criteria Version 2. Collection method: clinical testing. Allele origin: germline. Affected: yes. Observed: 1 variant allele.
Comment: EVC: PM2, BP4

NM_153717.3(EVC):c.2580G>C (p.Lys860Asn)

Gene: EVC (EvC ciliary complex subunit 1; plus strand). Cytogenetic location: 4p16.2.
Variant type: single nucleotide variant.
Coding change: c.2580G>C on transcript NM_153717.3 (MANE Select); coding-DNA position 2580, G replaced by C.
Protein change: p.Lys860Asn; replaces lysine 860 with asparagine.
Molecular consequence: missense variant.
Genome position (GRCh38, 1-based): chr4:5,808,219, G>C. VCF-style: chr4-5808219-G-C. GRCh37 (hg19) VCF-style: chr4-5809946-G-C.
Other names: c.2580G>C, p.Lys860Asn (NM_001306090.2); c.2580G>C (NM_153717.2); short protein forms K860N.
Identifiers: ClinVar variation 2949171 (VCV002949171.19), dbSNP rs1264987350, ClinGen allele CA356150431.